The following is an entry in ClinVar:

ClinVar aggregate classification (germline): Uncertain significance (1 of 4 stars; one submission).

Allele frequency attached by ClinVar (database versions not stated): TOPMed below 0.00001; gnomAD 0.00001.
gnomAD v4.1: 1 of 1,612,810 alleles (0.000062%); highest among the groups gnomAD compares: African/African-American, 0.0013%; no homozygotes.

Submission:

Labcorp Genetics (formerly Invitae), Labcorp
Classification: Uncertain significance. Last evaluated: 2018-01-28. Review status: criteria provided, single submitter. Criteria: Invitae Variant Classification Sherloc (09022015). Collection method: clinical testing. Allele origin: germline.
Comment: In summary, the available evidence is currently insufficient to determine the role of this variant in disease. Therefore, it has been classified as a Variant of Uncertain Significance. Algorithms developed to predict the effect of missense changes on protein structure and function output the following: SIFT: "Tolerated"; PolyPhen-2: "Benign"; Align-GVGD: "Class C0". The threonine amino acid residue is found in multiple mammalian species, suggesting that this missense change does not adversely affect protein function. These predictions have not been confirmed by published functional studies and their clinical significance is uncertain. This variant has not been reported in the literature in individuals with SCN3A-related disease. This variant is not present in population databases (ExAC no frequency). This sequence change replaces alanine with threonine at codon 1931 of the SCN3A protein (p.Ala1931Thr). The alanine residue is weakly conserved and there is a small physicochemical difference between alanine and threonine.

NM_006922.4(SCN3A):c.5791G>A (p.Ala1931Thr)

Gene: SCN3A (sodium voltage-gated channel alpha subunit 3; minus strand). Cytogenetic location: 2q24.3.
Variant type: single nucleotide variant.
Coding change: c.5791G>A on transcript NM_006922.4 (MANE Select); coding-DNA position 5791, G replaced by A.
Protein change: p.Ala1931Thr; replaces alanine 1931 with threonine.
Molecular consequence: missense variant.
Genome position (GRCh38, 1-based): chr2:165,090,362, C>T on the plus strand (G>A on the coding strand, the complement: SCN3A is on the minus strand). VCF-style: chr2-165090362-C-T. GRCh37 (hg19) VCF-style: chr2-165946872-C-T.
Other names: c.5644G>A, p.Ala1882Thr (NM_001081676.2, NM_001081677.2); short protein forms A1931T, A1882T.
Identifiers: ClinVar variation 1035940 (VCV001035940.8), dbSNP rs994591987, ClinGen allele CA59708083.
Genomic context (GRCh38, chr2:165,090,362, plus strand): 5'-CATTTAGTTTGTCAATAATCATGTCTTGTTTTATAGGTAAGTCAATCCTCCCTTTAATTG[C>T]CTCTTTGTTATAGTTACTTGATATATTTTTTAACCTTTGCTTTAAAAGATAACATCTGAA-3'
Protein context (NP_008853.3, residues 1921-1941): KNISSNYNKE[Ala1931Thr]IKGRIDLPIK